The following is an entry in ClinVar:

NM_000038.6(APC):c.6493C>A (p.Pro2165Thr)

Gene: APC (APC regulator of Wnt signaling pathway; plus strand). Cytogenetic location: 5q22.2.
Variant type: single nucleotide variant.
Coding change: c.6493C>A on transcript NM_000038.6 (MANE Select); coding-DNA position 6493, C replaced by A.
Protein change: p.Pro2165Thr; replaces proline 2165 with threonine.
Molecular consequence: missense variant.
Genome position (GRCh38, 1-based): chr5:112,842,087, C>A. VCF-style: chr5-112842087-C-A. GRCh37 (hg19) VCF-style: chr5-112177784-C-A.
Other names: c.6493C>A, p.Pro2165Thr (NM_001127510.3, NM_001354895.2); c.6439C>A, p.Pro2147Thr (NM_001127511.3); c.6547C>A, p.Pro2183Thr (NM_001354896.2); c.6523C>A, p.Pro2175Thr (NM_001354897.2); c.6418C>A, p.Pro2140Thr (NM_001354898.2); c.6409C>A, p.Pro2137Thr (NM_001354899.2); c.6370C>A, p.Pro2124Thr (NM_001354900.2); c.6316C>A, p.Pro2106Thr (NM_001354901.2); and 5 more; short protein forms P2165T, P2147T, P2074T, P2124T, P2137T, P2140T, P2175T, P2183T.
Identifiers: ClinVar variation 578969 (VCV000578969.19), dbSNP rs775501375, ClinGen allele CA045025.

ClinVar aggregate classification (germline): Conflicting classifications of pathogenicity. Review status: criteria provided, conflicting classifications (1 of 4 stars). 5 submissions from 5 submitters: Uncertain significance (3); Likely benign (2). Last evaluated 2025-03-04.

Conditions:
Hereditary cancer-predisposing syndrome. Also called: Neoplastic Syndromes, Hereditary; Tumor predisposition; Hereditary neoplastic syndrome; Hereditary Cancer Syndrome. Identifiers: Orphanet 140162, MedGen C0027672, MeSH D009386, MONDO:0015356.
Familial adenomatous polyposis 1 (FAP1). Also called: FAMILIAL ADENOMATOUS POLYPOSIS 1, ATTENUATED; POLYPOSIS, ADENOMATOUS INTESTINAL. Identifiers: MedGen C2713442, MONDO:0021056, OMIM 175100. Disease mechanism: loss of function.

Allele frequency attached by ClinVar (database versions not stated): TOPMed below 0.00001.
gnomAD v4.1: 10 of 1,610,416 alleles (0.00062%); highest among the groups gnomAD compares: Non-Finnish European, 0.00085%; no homozygotes.

Submissions (5):

Center for Genomic Medicine, Rigshospitalet, Copenhagen University Hospital
Classification: Likely benign. Last evaluated: 2025-03-04. Review status: criteria provided, single submitter. Criteria: ACMG Guidelines, 2015. Collection method: clinical testing. Allele origin: germline.

Labcorp Genetics (formerly Invitae), Labcorp
Classification: Uncertain significance for Familial adenomatous polyposis 1. Last evaluated: 2024-10-10. Review status: criteria provided, single submitter. Criteria: Invitae Variant Classification Sherloc (09022015). Collection method: clinical testing. Allele origin: germline.
Comment: This sequence change replaces proline, which is neutral and non-polar, with threonine, which is neutral and polar, at codon 2165 of the APC protein (p.Pro2165Thr). This variant is present in population databases (rs775501375, gnomAD 0.004%). This variant has not been reported in the literature in individuals affected with APC-related conditions. ClinVar contains an entry for this variant (Variation ID: 578969). Invitae Evidence Modeling of protein sequence and biophysical properties (such as structural, functional, and spatial information, amino acid conservation, physicochemical variation, residue mobility, and thermodynamic stability) indicates that this missense variant is not expected to disrupt APC protein function with a negative predictive value of 95%. In summary, the available evidence is currently insufficient to determine the role of this variant in disease. Therefore, it has been classified as a Variant of Uncertain Significance.

Color Diagnostics, LLC DBA Color Health
Classification: Uncertain significance for Hereditary cancer-predisposing syndrome. Last evaluated: 2024-03-06. Review status: criteria provided, single submitter. Criteria: ACMG Guidelines, 2015. Collection method: clinical testing. Allele origin: germline.
Comment: This missense variant replaces proline with threonine at codon 2165 of the APC protein. Computational prediction suggests that this variant may not impact protein structure and function (internally defined REVEL score threshold <= 0.5, PMID: 27666373). To our knowledge, functional studies have not been reported for this variant. This variant has not been reported in individuals affected with hereditary cancer in the literature. This variant has been identified in 5/249740 chromosomes in the general population by the Genome Aggregation Database (gnomAD). The available evidence is insufficient to determine the role of this variant in disease conclusively. Therefore, this variant is classified as a Variant of Uncertain Significance.

Ambry Genetics
Classification: Likely benign for Hereditary cancer-predisposing syndrome. Last evaluated: 2021-09-15. Review status: criteria provided, single submitter. Criteria: Ambry Variant Classification Scheme 2023. Collection method: clinical testing. Allele origin: germline.

Quest Diagnostics Nichols Institute San Juan Capistrano
Classification: Uncertain significance. Last evaluated: 2019-10-22. Review status: criteria provided, single submitter. Criteria: Quest Diagnostics criteria. Collection method: clinical testing. Allele origin: unknown.